The following is an entry in ClinVar:

ClinVar aggregate classification (germline): Likely benign (1 of 4 stars; one submission).

Conditions:
GLIS3-related disorder. Also called: GLIS3-related condition.

gnomAD v4.1: 12 of 1,614,134 alleles (0.00074%); highest among the groups gnomAD compares: African/African-American, 0.0013%; no homozygotes.

Submission:

PreventionGenetics, part of Exact Sciences
Classification: Likely benign for GLIS3-related condition. Last evaluated: 2026-08-27. Review status: criteria provided, single submitter. Criteria: ACMG Guidelines, 2015. Collection method: clinical testing. Allele origin: germline.
Comment: This variant is classified as likely benign based on ACMG/AMP sequence variant interpretation guidelines (Richards et al. 2015 PMID: 25741868, with internal and published modifications).

NM_001042413.2(GLIS3):c.135C>T (p.Ser45=)

Gene: GLIS3 (GLIS family zinc finger 3; minus strand). Cytogenetic location: 9p24.2.
Variant type: single nucleotide variant.
Coding change: c.135C>T on transcript NM_001042413.2 (MANE Select); coding-DNA position 135, C replaced by T.
Protein change: p.Ser45=; no amino-acid change (serine 45 retained).
Molecular consequence: synonymous variant. On other transcripts: 5 prime UTR variant (2), intron variant (3).
Genome position (GRCh38, 1-based): chr9:4,286,291, G>A on the plus strand (C>T on the coding strand, the complement: GLIS3 is on the minus strand). VCF-style: chr9-4286291-G-A. GRCh37 (hg19) VCF-style: chr9-4286291-G-A.
Other names: c.135C>T, p.Ser45= (NM_001438906.1, NM_001438907.1, NM_001438908.1 and 2 more transcripts); c.-324C>T (NM_001438911.1, NM_001438916.1); c.-71+13130C>T (NM_001438912.1); c.-78+13130C>T (NM_001438909.1, NM_001438915.1).
Identifiers: ClinVar variation 4986892 (VCV004986892.1).